The following is an entry in ClinVar:

ClinVar aggregate classification (germline): Uncertain significance (1 of 4 stars; one submission).

Submission:

Ambry Genetics
Classification: Uncertain significance. Last evaluated: 2021-12-21. Review status: criteria provided, single submitter. Criteria: Ambry Variant Classification Scheme 2023. Collection method: clinical testing. Allele origin: germline.
Comment: The p.L703P variant (also known as c.2108T>C), located in coding exon 18 of the RAD54L gene, results from a T to C substitution at nucleotide position 2108. The leucine at codon 703 is replaced by proline, an amino acid with similar properties. This amino acid position is conserved. In addition, this alteration is predicted to be deleterious by in silico analysis. Since supporting evidence is limited at this time, the clinical significance of this alteration remains unclear.

NM_003579.4(RAD54L):c.2108T>C (p.Leu703Pro)

Genes: LRRC41 (leucine rich repeat containing 41; minus strand), RAD54L (RAD54 like; plus strand). Cytogenetic location: 1p34.1.
Variant type: single nucleotide variant.
Coding change: c.2108T>C on transcript NM_003579.4 (MANE Select); coding-DNA position 2108, T replaced by C.
Protein change: p.Leu703Pro; replaces leucine 703 with proline.
Molecular consequence: missense variant. On other transcripts: 3 prime UTR variant (1).
Genome position (GRCh38, 1-based): chr1:46,278,146, T>C. VCF-style: chr1-46278146-T-C. GRCh37 (hg19) VCF-style: chr1-46743818-T-C.
Other names: c.*719A>G (NM_006369.5); c.2108T>C, p.Leu703Pro (NM_001142548.2); c.1568T>C, p.Leu523Pro (NM_001370766.1); short protein forms L523P, L703P.
Identifiers: ClinVar variation 1786013 (VCV001786013.2), dbSNP rs1384711289, ClinGen allele CA340191149.